The following is an entry in ClinVar:

NM_001126108.2(SLC12A3):c.348del (p.Leu117fs)

Gene: SLC12A3 (solute carrier family 12 member 3; plus strand). Cytogenetic location: 16q13.
Variant type: Deletion.
Coding change: c.348del on transcript NM_001126108.2 (MANE Select); coding-DNA position 348, one base deleted (G; older notation c.348delG).
Protein change: p.Leu117fs; shifts the reading frame from leucine 117.
Molecular consequence: frameshift variant.
Genome position (GRCh38, 1-based): chr16:56,867,135, G deleted; the last of 3 consecutive G bases (chr16:56,867,133-56,867,135); deleting any one gives the same sequence. VCF-style (leftmost placement, unchanged base first): chr16-56867132-TG-T. GRCh37 (hg19) VCF-style: chr16-56901044-TG-T.
Other names: c.348del, p.Leu117fs (NM_000339.3); c.345del, p.Leu116fs (NM_001126107.2, NM_001410896.1); short protein forms L116fs, L117fs.
Identifiers: ClinVar variation 4818212 (VCV004818212.2).

ClinVar aggregate classification (germline): Likely pathogenic (1 of 4 stars; one submission).

Conditions:
Familial hypokalemia-hypomagnesemia (GTLMNS). Also called: HYPOMAGNESEMIA-HYPOKALEMIA, PRIMARY RENOTUBULAR, WITH HYPOCALCIURIA; POTASSIUM AND MAGNESIUM DEPLETION; gitelman syndrome. Identifiers: Orphanet 358, MedGen C0268450, MONDO:0009904, OMIM 263800.

Submission:

Natera, Inc.
Classification: Likely pathogenic for Gitelman syndrome. Last evaluated: 2024-06-13. Review status: criteria provided, single submitter. Criteria: Natera Variant Classification Schema (03/2026). Collection method: clinical testing. Allele origin: germline.
Comment: The c.348del variant in SLC12A3 is a frameshift variant predicted to shift the reading frame beginning at codon 117 and leads to a stop codon 26 codons downstream. This variant is expected to result in nonsense mediated decay, truncation, or a dysfunctional protein product. This variant is rare in the general population with a frequency below the threshold expected for the associated phenotype(s). Given the available evidence, this variant is classified as Likely Pathogenic.